The following is an entry in ClinVar:

NM_002067.5(GNA11):c.606-16C>T

Gene: GNA11 (G protein subunit alpha 11; plus strand). Cytogenetic location: 19p13.3.
Variant type: single nucleotide variant.
Coding change: c.606-16C>T on transcript NM_002067.5 (MANE Select); 16 bases into the intron before coding-DNA position 606, C replaced by T.
Molecular consequence: intron variant.
Genome position (GRCh38, 1-based): chr19:3,118,908, C>T. VCF-style: chr19-3118908-C-T. GRCh37 (hg19) VCF-style: chr19-3118906-C-T.
Identifiers: ClinVar variation 2427801 (VCV002427801.7), dbSNP rs760030169, ClinGen allele CA9074946.
Genomic context (GRCh38, chr19:3,118,908, plus strand): 5'-GGTGGGAGCCGTCCTGGGATTGCAGATTGGGCCTTGGGGCGCCAGGTGGCTGAGTCCTGG[C>T]GCTGTGTCCTTTCAGGATGGTGGATGTGGGGGGCCAGCGGTCGGAGCGGAGGAAGTGGAT-3'

ClinVar aggregate classification (germline): Likely benign. Review status: criteria provided, multiple submitters, no conflicts (2 of 4 stars). 2 submissions from 2 submitters: Likely benign (2). Last evaluated 2024-07-10.

Allele frequency attached by ClinVar (database versions not stated): gnomAD exomes 0.00001; ExAC 0.00002; TOPMed 0.00003.
gnomAD v4.1: 13 of 1,606,810 alleles (0.00081%); highest among the groups gnomAD compares: Admixed American, 0.013%; no homozygotes.

Submissions (2):

Women's Health and Genetics/Laboratory Corporation of America, LabCorp
Classification: Likely benign. Last evaluated: 2024-07-10. Review status: criteria provided, single submitter. Criteria: LabCorp Variant Classification Summary - May 2015. Collection method: clinical testing. Allele origin: germline.
Comment: Variant summary: GNA11 c.606-16C>T alters a non-conserved nucleotide located at a position not widely known to affect splicing. Consensus agreement among computation tools predict no significant impact on normal splicing. However, these predictions have yet to be confirmed by functional studies. The variant allele was found at a frequency of 2.4e-05 in 249780 control chromosomes (gnomAD). The available data on variant occurrences in the general population are insufficient to allow any conclusion about variant significance. To our knowledge, no occurrence of c.606-16C>T in individuals affected with GNA11-Related Disorders and no experimental evidence demonstrating its impact on protein function have been reported. ClinVar contains an entry for this variant (Variation ID: 2427801). Based on the evidence outlined above, the variant was classified as likely benign.

Labcorp Genetics (formerly Invitae), Labcorp
Classification: Likely benign. Last evaluated: 2024-07-03. Review status: criteria provided, single submitter. Criteria: Invitae Variant Classification Sherloc (09022015). Collection method: clinical testing. Allele origin: germline.